The following is an entry in ClinVar:

NM_001035.3(RYR2):c.12955G>A (p.Val4319Ile)

Genes: RYR2 (ryanodine receptor 2; plus strand), LOC126806068 (BRD4-independent group 4 enhancer GRCh37_chr1:237947411-237948610; plus strand). Cytogenetic location: 1q43.
Variant type: single nucleotide variant.
Coding change: c.12955G>A on transcript NM_001035.3 (MANE Select); coding-DNA position 12955, G replaced by A.
Protein change: p.Val4319Ile; replaces valine 4319 with isoleucine.
Molecular consequence: missense variant.
Genome position (GRCh38, 1-based): chr1:237,784,667, G>A. VCF-style: chr1-237784667-G-A. GRCh37 (hg19) VCF-style: chr1-237947967-G-A.
Other names: short protein forms V4319I.
Identifiers: ClinVar variation 3074312 (VCV003074312.1), dbSNP rs2527795826, ClinGen allele CA345414826.

ClinVar aggregate classification (germline): Uncertain significance (1 of 4 stars; one submission).

Conditions:
Catecholaminergic polymorphic ventricular tachycardia (CVPT). Also called: Catecholamine-induced polymorphic ventricular tachycardia. Identifiers: Orphanet 3286, MedGen C5574922, MONDO:0017990.

Submission:

All of Us Research Program, National Institutes of Health
Classification: Uncertain significance for Catecholaminergic polymorphic ventricular tachycardia. Last evaluated: 2023-11-02. Review status: criteria provided, single submitter. Criteria: ACMG Guidelines, 2015. Collection method: clinical testing. Allele origin: germline. Inheritance: Autosomal dominant inheritance. Observed: 1 variant allele, 1 heterozygote.
Comment: This missense variant replaces valine with isoleucine at codon 4319 of the RYR2 protein. Computational prediction suggests that this variant may not impact protein structure and function (internally defined REVEL score threshold <= 0.5, PMID: 27666373). To our knowledge, functional studies have not been reported for this variant. This variant has not been reported in individuals affected with RYR2-related disorders in the literature. This variant has not been identified in the general population by the Genome Aggregation Database (gnomAD). The available evidence is insufficient to determine the role of this variant in disease conclusively. Therefore, this variant is classified as a Variant of Uncertain Significance.

This study involves interpretation of variants in research participants for the purpose of population health screening. Participant phenotype was not available at the time of variant classification. Additional details can be found in publication PMID: 35346344, PMCID: PMC8962531